The following is an entry in ClinVar:

NM_152722.5(HEPACAM):c.619G>A (p.Val207Met)

Gene: HEPACAM (hepatic and glial cell adhesion molecule; minus strand). Cytogenetic location: 11q24.2.
Variant type: single nucleotide variant.
Coding change: c.619G>A on transcript NM_152722.5 (MANE Select); coding-DNA position 619, G replaced by A.
Protein change: p.Val207Met; replaces valine 207 with methionine.
Molecular consequence: missense variant.
Genome position (GRCh38, 1-based): chr11:124,923,819, C>T on the plus strand (G>A on the coding strand, the complement: HEPACAM is on the minus strand). VCF-style: chr11-124923819-C-T. GRCh37 (hg19) VCF-style: chr11-124793715-C-T.
Other names: c.619G>A, p.Val207Met (NM_001411043.1); c.619G>A (NM_152722.4); short protein forms V207M.
Identifiers: ClinVar variation 1902277 (VCV001902277.6), dbSNP rs201870421, ClinGen allele CA6345701.

ClinVar aggregate classification (germline): Uncertain significance. Review status: criteria provided, multiple submitters, no conflicts (2 of 4 stars). 2 submissions from 2 submitters: Uncertain significance (2). Last evaluated 2025-08-07.

Conditions:
Inborn genetic diseases. Identifiers: MedGen C0950123, MeSH D030342.

Allele frequency attached by ClinVar (database versions not stated): ExAC 0.00002; gnomAD 0.00003; TOPMed 0.00003.
gnomAD v4.1: 83 of 1,614,088 alleles (0.0051%); highest among the groups gnomAD compares: Non-Finnish European, 0.0064%; no homozygotes.

Submissions (2):

Ambry Genetics
Classification: Uncertain significance for Inborn genetic diseases. Last evaluated: 2025-08-07. Review status: criteria provided, single submitter. Criteria: Ambry Variant Classification Scheme 2023. Collection method: clinical testing. Allele origin: germline.

Labcorp Genetics (formerly Invitae), Labcorp
Classification: Uncertain significance. Last evaluated: 2022-09-30. Review status: criteria provided, single submitter. Criteria: Invitae Variant Classification Sherloc (09022015). Collection method: clinical testing. Allele origin: germline.
Comment: In summary, the available evidence is currently insufficient to determine the role of this variant in disease. Therefore, it has been classified as a Variant of Uncertain Significance. Advanced modeling of protein sequence and biophysical properties (such as structural, functional, and spatial information, amino acid conservation, physicochemical variation, residue mobility, and thermodynamic stability) has been performed at Invitae for this missense variant, however the output from this modeling did not meet the statistical confidence thresholds required to predict the impact of this variant on HEPACAM protein function. This variant has not been reported in the literature in individuals affected with HEPACAM-related conditions. This variant is present in population databases (rs201870421, gnomAD 0.006%). This sequence change replaces valine, which is neutral and non-polar, with methionine, which is neutral and non-polar, at codon 207 of the HEPACAM protein (p.Val207Met).